The following is an entry in ClinVar:

NM_002691.4(POLD1):c.1336A>G (p.Thr446Ala)

Gene: POLD1 (DNA polymerase delta 1, catalytic subunit; plus strand). Cytogenetic location: 19q13.33.
Variant type: single nucleotide variant.
Coding change: c.1336A>G on transcript NM_002691.4 (MANE Select); coding-DNA position 1336, A replaced by G.
Protein change: p.Thr446Ala; replaces threonine 446 with alanine.
Molecular consequence: missense variant. On other transcripts: non-coding transcript variant (1).
Genome position (GRCh38, 1-based): chr19:50,406,275, A>G. VCF-style: chr19-50406275-A-G. GRCh37 (hg19) VCF-style: chr19-50909532-A-G.
Other names: c.1336A>G (NM_002691.2); c.1336A>G, p.Thr446Ala (NM_001256849.1, NM_001308632.1, NM_001438210.1 and 3 more transcripts); short protein forms T446A.
Identifiers: ClinVar variation 4809507 (VCV004809507.2).

ClinVar aggregate classification (germline): Uncertain significance. Review status: criteria provided, multiple submitters, no conflicts (2 of 4 stars). 2 submissions from 2 submitters: Uncertain significance (2). Last evaluated 2026-06-01.

Conditions:
Hereditary cancer-predisposing syndrome. Also called: Neoplastic Syndromes, Hereditary; Tumor predisposition; Hereditary neoplastic syndrome; Hereditary Cancer Syndrome. Identifiers: Orphanet 140162, MedGen C0027672, MeSH D009386, MONDO:0015356.
POLD1-related polyposis and colorectal cancer syndrome (CRCS10). Also called: COLORECTAL CANCER, SUSCEPTIBILITY TO, ON CHROMOSOME 19q; Colorectal cancer 10; Colorectal cancer, susceptibility to, 10. Identifiers: Orphanet 220460, MedGen C2675481, MONDO:0012953, OMIM 612591.

Submissions (2):

Ambry Genetics
Classification: Uncertain significance for Hereditary cancer-predisposing syndrome. Last evaluated: 2026-06-01. Review status: criteria provided, single submitter. Criteria: Ambry Variant Classification Scheme 2023. Collection method: clinical testing. Allele origin: germline.
Comment: The p.T446A variant (also known as c.1336A>G), located in coding exon 10 of the POLD1 gene, results from an A to G substitution at nucleotide position 1336. The threonine at codon 446 is replaced by alanine, an amino acid with similar properties. This amino acid position is conserved. In addition, this alteration is predicted to be tolerated by in silico analysis. Based on the available evidence, the clinical significance of this variant remains unclear.

Labcorp Genetics (formerly Invitae), Labcorp
Classification: Uncertain significance for POLD1-related polyposis and colorectal cancer syndrome. Last evaluated: 2025-02-13. Review status: criteria provided, single submitter. Criteria: Invitae Variant Classification Sherloc (09022015). Collection method: clinical testing. Allele origin: germline.
Comment: This sequence change replaces threonine, which is neutral and polar, with alanine, which is neutral and non-polar, at codon 446 of the POLD1 protein (p.Thr446Ala). This variant is not present in population databases (gnomAD no frequency). This variant has not been reported in the literature in individuals affected with POLD1-related conditions. Invitae Evidence Modeling of protein sequence and biophysical properties (such as structural, functional, and spatial information, amino acid conservation, physicochemical variation, residue mobility, and thermodynamic stability) indicates that this missense variant is not expected to disrupt POLD1 protein function with a negative predictive value of 80%. In summary, the available evidence is currently insufficient to determine the role of this variant in disease. Therefore, it has been classified as a Variant of Uncertain Significance.